The following is an entry in ClinVar:

NM_001378609.3(OTOGL):c.637C>A (p.Gln213Lys)

Gene: OTOGL (otogelin like; plus strand). Cytogenetic location: 12q21.31.
Variant type: single nucleotide variant.
Coding change: c.637C>A on transcript NM_001378609.3 (MANE Select); coding-DNA position 637, C replaced by A.
Protein change: p.Gln213Lys; replaces glutamine 213 with lysine.
Molecular consequence: missense variant.
Genome position (GRCh38, 1-based): chr12:80,232,917, C>A. VCF-style: chr12-80232917-C-A. GRCh37 (hg19) VCF-style: chr12-80626697-C-A.
Other names: c.637C>A, p.Gln213Lys (NM_001368062.3, NM_001378610.3, NM_173591.7); short protein forms Q213K.
Identifiers: ClinVar variation 4755912 (VCV004755912.1).

ClinVar aggregate classification (germline): Uncertain significance (1 of 4 stars; one submission).

Submission:

GeneDx
Classification: Uncertain significance. Last evaluated: 2025-08-05. Review status: criteria provided, single submitter. Criteria: GeneDx Variant Classification Process June 2021. Collection method: clinical testing. Allele origin: germline. Affected: yes.
Comment: Not observed at significant frequency in large population cohorts (gnomAD); In silico analysis suggests that this missense variant does not alter protein structure/function; Has not been previously published as pathogenic or benign to our knowledge